The following is an entry in ClinVar:

ClinVar aggregate classification (germline): Uncertain significance (1 of 4 stars; one submission).

Conditions:
JAK2-related disorder. Also called: JAK2-related condition.

Allele frequency attached by ClinVar (database versions not stated): TOPMed 0.00001; ExAC 0.00002; gnomAD exomes 0.00002; ESP Exome Variant Server 0.00008.
gnomAD v4.1: 27 of 1,610,868 alleles (0.0017%); highest among the groups gnomAD compares: East Asian, 0.0022%; no homozygotes.

Submission:

PreventionGenetics, part of Exact Sciences
Classification: Uncertain significance for JAK2-related condition. Last evaluated: 2022-12-29. Review status: criteria provided, single submitter. Criteria: ACMG Guidelines, 2015. Collection method: clinical testing. Allele origin: germline.
Comment: The JAK2 c.1471A>G variant is predicted to result in the amino acid substitution p.Ile491Val. To our knowledge, this variant has not been reported in the literature. This variant is reported in 0.0053% of alleles in individuals of European (Non-Finnish) descent in gnomAD. At this time, the clinical significance of this variant is uncertain due to the absence of conclusive functional and genetic evidence.

NM_004972.4(JAK2):c.1471A>G (p.Ile491Val)

Genes: INSL6 (insulin like 6; minus strand), JAK2 (Janus kinase 2; plus strand). Cytogenetic location: 9p24.1.
Variant type: single nucleotide variant.
Coding change: c.1471A>G on transcript NM_004972.4 (MANE Select); coding-DNA position 1471, A replaced by G.
Protein change: p.Ile491Val; replaces isoleucine 491 with valine.
Molecular consequence: missense variant. On other transcripts: non-coding transcript variant (2).
Genome position (GRCh38, 1-based): chr9:5,069,166, A>G. VCF-style: chr9-5069166-A-G. GRCh37 (hg19) VCF-style: chr9-5069166-A-G.
Other names: c.1471A>G, p.Ile491Val (NM_001322194.2, NM_001322195.2, NM_001322196.2); c.256A>G, p.Ile86Val (NM_001322198.2, NM_001322199.2); c.1024A>G, p.Ile342Val (NM_001322204.2); short protein forms I342V, I491V, I86V.
Identifiers: ClinVar variation 2631885 (VCV002631885.1), dbSNP rs146394461, ClinGen allele CA4971860.